The following is an entry in ClinVar:

ClinVar aggregate classification (germline): Pathogenic (1 of 4 stars; one submission).

Submission:

Labcorp Genetics (formerly Invitae), Labcorp
Classification: Pathogenic. Last evaluated: 2024-02-18. Review status: criteria provided, single submitter. Criteria: Invitae Variant Classification Sherloc (09022015). Collection method: clinical testing. Allele origin: germline.
Comment: This sequence change creates a premature translational stop signal (p.Gln1101*) in the PCNT gene. It is expected to result in an absent or disrupted protein product. Loss-of-function variants in PCNT are known to be pathogenic (PMID: 18174396, 22821869). This variant is not present in population databases (gnomAD no frequency). This variant has not been reported in the literature in individuals affected with PCNT-related conditions. For these reasons, this variant has been classified as Pathogenic.

Literature cited by the submitters: PubMed 18174396; PubMed 22821869.

NM_006031.6(PCNT):c.3301C>T (p.Gln1101Ter)

Gene: PCNT (pericentrin; plus strand). Cytogenetic location: 21q22.3.
Variant type: single nucleotide variant.
Coding change: c.3301C>T on transcript NM_006031.6 (MANE Select); coding-DNA position 3301, C replaced by T.
Protein change: p.Gln1101Ter; replaces glutamine 1101 with a stop codon.
Molecular consequence: nonsense.
Genome position (GRCh38, 1-based): chr21:46,381,829, C>T. VCF-style: chr21-46381829-C-T. GRCh37 (hg19) VCF-style: chr21-47801744-C-T.
Other names: c.2947C>T, p.Gln983Ter (NM_001315529.2); short protein forms Q1101*, Q983*.
Identifiers: ClinVar variation 3641877 (VCV003641877.2).